The following is an entry in ClinVar:

ClinVar aggregate classification (germline): Benign/Likely benign. Review status: criteria provided, multiple submitters, no conflicts (2 of 4 stars). 7 submissions from 7 submitters: Benign (6); Likely benign (1). Last evaluated 2026-01-28.

Conditions:
Congenital dyserythropoietic anemia, type II (CDAN2). Also called: DYSERYTHROPOIETIC ANEMIA, HEMPAS TYPE. Identifiers: Orphanet 98873, MedGen C1306589, MONDO:0009134, OMIM 224100.
Cowden syndrome 7 (CWS7). Identifiers: Orphanet 201, MedGen C4225179, MONDO:0014802, OMIM 616858.

Allele frequency attached by ClinVar (database versions not stated): ESP Exome Variant Server 0.00031; gnomAD exomes 0.00138 and 0.00612; gnomAD 0.00228 and 0.00244; TOPMed 0.00421; ExAC 0.00487; 1000 Genomes Project 0.00599; 1000 Genomes Project 30x 0.00609.
gnomAD v4.1: 2,373 of 1,612,348 alleles (0.15%); highest among the groups gnomAD compares: Admixed American, 3.3%; 50 homozygotes.

Submissions (7):

Labcorp Genetics (formerly Invitae), Labcorp
Classification: Benign for Congenital dyserythropoietic anemia, type II; Cowden syndrome 7. Last evaluated: 2026-01-28. Review status: criteria provided, single submitter. Criteria: Invitae Variant Classification Sherloc (09022015). Collection method: clinical testing. Allele origin: germline.

ARUP Laboratories, Molecular Genetics and Genomics, ARUP Laboratories
Classification: Benign. Last evaluated: 2025-06-02. Review status: criteria provided, single submitter. Criteria: ARUP Molecular Germline Variant Investigation Process 2024. Collection method: clinical testing. Allele origin: germline.

Mayo Clinic Laboratories, Mayo Clinic
Classification: Benign. Last evaluated: 2022-06-08. Review status: criteria provided, single submitter. Criteria: ACMG Guidelines, 2015. Collection method: clinical testing. Allele origin: germline. Observed: 15 variant alleles.
Comment: BS1, BS2, BP4, BP7

Fulgent Genetics
Classification: Likely benign for Congenital dyserythropoietic anemia, type II; Cowden syndrome 7. Last evaluated: 2022-01-13. Review status: criteria provided, single submitter. Criteria: ACMG Guidelines, 2015. Collection method: clinical testing. Allele origin: unknown.

Illumina Laboratory Services, Illumina
Classification: Benign for Congenital dyserythropoietic anemia, type II. Last evaluated: 2018-01-13. Review status: criteria provided, single submitter. Criteria: ICSL Variant Classification Criteria 13 December 2019. Collection method: clinical testing. Allele origin: germline.
Comment: This variant was observed in the ICSL laboratory as part of a predisposition screen in an ostensibly healthy population. It had not been previously curated by ICSL or reported in the Human Gene Mutation Database (HGMD: prior to June 1st, 2018), and was therefore a candidate for classification through an automated scoring system. Utilizing variant allele frequency, disease prevalence and penetrance estimates, and inheritance mode, an automated score was calculated to assess if this variant is too frequent to cause the disease. Based on the score and internal cut-off values, a variant classified as benign is not then subjected to further curation. The score for this variant resulted in a classification of benign for this disease.

Eurofins Ntd Llc (ga)
Classification: Benign. Last evaluated: 2015-10-01. Review status: criteria provided, single submitter. Criteria: EGL Classification Definitions 2015. Collection method: clinical testing. Allele origin: germline. Observed: 3 variant alleles, 3 heterozygotes.

Breakthrough Genomics
Classification: Benign. Review status: criteria provided, single submitter. Criteria: ACMG Guidelines, 2015. Collection method: not provided. Allele origin: germline. Inheritance: Autosomal recessive inheritance. Affected: yes.

NM_006363.6(SEC23B):c.2298C>T (p.Ala766=)

Gene: SEC23B (SEC23 homolog B, COPII component; plus strand). Cytogenetic location: 20p11.23.
Variant type: single nucleotide variant.
Coding change: c.2298C>T on transcript NM_006363.6 (MANE Select); coding-DNA position 2298, C replaced by T.
Protein change: p.Ala766=; no amino-acid change (alanine 766 retained).
Molecular consequence: synonymous variant.
Genome position (GRCh38, 1-based): chr20:18,560,734, C>T. VCF-style: chr20-18560734-C-T. GRCh37 (hg19) VCF-style: chr20-18541378-C-T.
Other names: p.Ala766=; c.2298C>T, p.Ala766= (NM_001172745.3, NM_032985.6, NM_032986.5); c.2244C>T, p.Ala748= (NM_001172746.3).
Identifiers: ClinVar variation 95387 (VCV000095387.34), dbSNP rs77945587, ClinGen allele CA222940.
Genomic context (GRCh38, chr20:18,560,734, plus strand): 5'-TGATGATGTTAGCCTGCAGGTGTTCATGGACCATTTGAAGAAGCTGGCTGTCTCCAGTGC[C>T]TGTTAAGCTGAGGATACAACCAGGAAATGCAACGGTGTCAGATTGTGTTCAAAATGTCTA-3'
Protein context (NP_006354.2, residues 756-767): DHLKKLAVSS[Ala766=]C